The following is an entry in ClinVar:

NM_002875.5(RAD51):c.238A>G (p.Lys80Glu)

Gene: RAD51 (RAD51 recombinase; plus strand). Cytogenetic location: 15q15.1.
Variant type: single nucleotide variant.
Coding change: c.238A>G on transcript NM_002875.5 (MANE Select); coding-DNA position 238, A replaced by G.
Protein change: p.Lys80Glu; replaces lysine 80 with glutamic acid.
Molecular consequence: missense variant. On other transcripts: intron variant (2).
Genome position (GRCh38, 1-based): chr15:40,706,189, A>G. VCF-style: chr15-40706189-A-G. GRCh37 (hg19) VCF-style: chr15-40998387-A-G.
Other names: c.238A>G, p.Lys80Glu (NM_001164270.2); c.347-2836A>G (NM_133487.4, NM_001164269.2); short protein forms K80E.
Identifiers: ClinVar variation 2592708 (VCV002592708.2), dbSNP rs1312157762, ClinGen allele CA391749333.

ClinVar aggregate classification (germline): Uncertain significance (1 of 4 stars; one submission).

Conditions:
Inborn genetic diseases. Identifiers: MedGen C0950123, MeSH D030342.

Allele frequency attached by ClinVar (database versions not stated): gnomAD exomes below 0.00001; TOPMed below 0.00001; gnomAD 0.00001.
gnomAD v4.1: 2 of 1,613,590 alleles (0.00012%); highest among the groups gnomAD compares: Non-Finnish European, 0.00017%; no homozygotes.

Submission:

Ambry Genetics
Classification: Uncertain significance for Inborn genetic diseases. Last evaluated: 2023-07-09. Review status: criteria provided, single submitter. Criteria: Ambry Variant Classification Scheme 2023. Collection method: clinical testing. Allele origin: germline.
Comment: The p.K80E variant (also known as c.238A>G), located in coding exon 3 of the RAD51 gene, results from an A to G substitution at nucleotide position 238. The lysine at codon 80 is replaced by glutamic acid, an amino acid with similar properties. This amino acid position is conserved. In addition, the in silico prediction for this alteration is inconclusive. Since supporting evidence is limited at this time, the clinical significance of this alteration remains unclear.